The following is an entry in ClinVar:

NM_001379291.1(BRD4):c.3089C>A (p.Pro1030Gln)

Gene: BRD4 (bromodomain containing 4; minus strand). Cytogenetic location: 19p13.12.
Variant type: single nucleotide variant.
Coding change: c.3089C>A on transcript NM_001379291.1 (MANE Select); coding-DNA position 3089, C replaced by A.
Protein change: p.Pro1030Gln; replaces proline 1030 with glutamine.
Molecular consequence: missense variant.
Genome position (GRCh38, 1-based): chr19:15,242,980, G>T on the plus strand (C>A on the coding strand, the complement: BRD4 is on the minus strand). VCF-style: chr19-15242980-G-T. GRCh37 (hg19) VCF-style: chr19-15353791-G-T.
Other names: c.3089C>A, p.Pro1030Gln (NM_058243.3); short protein forms P1030Q.
Identifiers: ClinVar variation 2895126 (VCV002895126.3), dbSNP rs1158865535, ClinGen allele CA404503192.

ClinVar aggregate classification (germline): Uncertain significance (1 of 4 stars; one submission).

Allele frequency attached by ClinVar (database versions not stated): TOPMed below 0.00001.
gnomAD v4.1: 2 of 1,586,458 alleles (0.00013%); highest among the groups gnomAD compares: African/African-American, 0.0027%; no homozygotes.

Submission:

Labcorp Genetics (formerly Invitae), Labcorp
Classification: Uncertain significance. Last evaluated: 2023-12-06. Review status: criteria provided, single submitter. Criteria: Invitae Variant Classification Sherloc (09022015). Collection method: clinical testing. Allele origin: germline.
Comment: This sequence change replaces proline, which is neutral and non-polar, with glutamine, which is neutral and polar, at codon 1030 of the BRD4 protein (p.Pro1030Gln). This variant is not present in population databases (gnomAD no frequency). This variant has not been reported in the literature in individuals affected with BRD4-related conditions. An algorithm developed to predict the effect of missense changes on protein structure and function (PolyPhen-2) suggests that this variant is likely to be disruptive. In summary, the available evidence is currently insufficient to determine the role of this variant in disease. Therefore, it has been classified as a Variant of Uncertain Significance.